The following is an entry in ClinVar:

NM_001042492.3(NF1):c.1785_1786del (p.Glu595fs)

Gene: NF1 (neurofibromin 1; plus strand). Cytogenetic location: 17q11.2.
Variant type: Deletion.
Coding change: c.1785_1786del on transcript NM_001042492.3 (MANE Select); coding-DNA positions 1785 to 1786, 2 bases deleted (AA; older notation c.1785_1786delAA).
Protein change: p.Glu595fs; shifts the reading frame from glutamic acid 595.
Molecular consequence: frameshift variant.
Genome position (GRCh38, 1-based): chr17:31,223,507-31,223,508, AA deleted; deleting any 2 consecutive bases within chr17:31,223,506-31,223,508 gives the same sequence; the c. name uses the placement nearest the transcript's 3' end. VCF-style (leftmost placement, unchanged base first): chr17-31223505-GAA-G. GRCh37 (hg19) VCF-style: chr17-29550523-GAA-G.
Other names: c.1785_1786delAA, p.Glu595Aspfs (NM_000267.4); c.1785_1786delAA (NM_000267.3); short protein forms E595fs.
Identifiers: ClinVar variation 817846 (VCV000817846.1), dbSNP rs1567845900, ClinGen allele CA915949736.

ClinVar aggregate classification (germline): Pathogenic (1 of 4 stars; one submission).

Submission:

GeneDx
Classification: Pathogenic. Last evaluated: 2018-10-04. Review status: criteria provided, single submitter. Criteria: GeneDx Variant Classification (06012015). Collection method: clinical testing. Allele origin: germline. Affected: yes.
Comment: The c.1785_1786delAA pathogenic variant in the NF1 gene causes a frameshift starting with codon Glutamic acid 595, changes this amino acid to an Aspartic acid residue and creates a premature Stop codon at position 14 of the new reading frame, denoted p.Glu595AspfsX14. This pathogenic variant is predicted to cause loss of normal protein function either through protein truncation or nonsense-mediated mRNA decay. The c.1785_1786delAA variant is not observed in large population cohorts (Lek et al., 2016).